The following is an entry in ClinVar:

NM_001851.6(COL9A1):c.905_912+1dupGCCCCCCGG

Gene: COL9A1 (collagen type IX alpha 1 chain; minus strand). Cytogenetic location: 6q13.
Variant type: Microsatellite.
Coding change: c.905_912+1dupGCCCCCCGG on transcript NM_001851.6 (MANE Select); coding-DNA position 905 through the canonical splice donor site of the intron after coding-DNA position 912, 9 bases duplicated (GCCCCCCGG).
Genome position (GRCh38, 1-based): chr6:70,281,003-70,281,011, CCGGGGGGC duplicated on the plus strand (GCCCCCCGG on the coding strand, the reverse complement: COL9A1 is on the minus strand); duplicating any 9 consecutive bases within chr6:70,281,003-70,281,022 gives the same sequence; the c. name uses the placement nearest the transcript's 3' end. VCF-style (leftmost placement, unchanged base first): chr6-70281002-A-ACCGGGGGGC. GRCh37 (hg19) VCF-style: chr6-70990705-A-ACCGGGGGGC.
Other names: c.905_912+1dup9 (NM_001851.4).
Identifiers: ClinVar variation 1013785 (VCV001013785.34), dbSNP rs747511400, ClinGen allele CA3882586.
Genomic context (GRCh38, chr6:70,281,002, plus strand): 5'-AGGGGGCTGCAAAACACGTCTAAAGGAAGGAAGTGGAGCGCCATATGCTCCAATCAACTT[A>ACCGGGGGGC]CCGGGGGGCCCGGGGGGCCCTTAGGACCTCGGTCACCCTGGAGGGGTAGGAGAAAAAGAG-3'

ClinVar aggregate classification (germline): Uncertain significance. Review status: criteria provided, multiple submitters, no conflicts (2 of 4 stars). 5 submissions from 5 submitters: Uncertain significance (5). Last evaluated 2026-06-15.

Conditions:
COL9A1-related disorder. Also called: COL9A1-related condition; COL9A1-related disorders.

Submissions (5):

PreventionGenetics, part of Exact Sciences
Classification: Uncertain significance for COL9A1-related condition. Last evaluated: 2026-06-15. Review status: criteria provided, single submitter. Criteria: ACMG Guidelines, 2015. Collection method: clinical testing. Allele origin: germline.
Comment: The COL9A1 c.905_912+1dup9 variant is predicted to result in an intronic duplication. To our knowledge, this variant has not been reported in the literature in individuals with COL9A1-related disorders. This variant is reported in 0.0058% of alleles in individuals of Latino descent in gnomAD. Although we suspect that this variant may be pathogenic, at this time, the clinical significance of this variant is uncertain due to the absence of conclusive functional and genetic evidence.

Women's Health and Genetics/Laboratory Corporation of America, LabCorp
Classification: Uncertain significance. Last evaluated: 2026-03-16. Review status: criteria provided, single submitter. Criteria: LabCorp Variant Classification Summary - May 2015. Collection method: clinical testing. Allele origin: germline.
Comment: Variant summary: COL9A1 c.905_912+1dupGCCCCCCGG occurs in the exon-intron junction and does not appear to disrupt consensus splice site. Indeed, consensus agreement among computation tools predict no significant impact on normal splicing. However, these predictions have yet to be confirmed by functional studies. The variant allele was found at a frequency of 2.4e-05 in 247738 control chromosomes. The available data on variant occurrences in the general population are insufficient to allow any conclusion about variant significance. c.905_912+1dupGCCCCCCGG has been observed in the setting of Exome carrier screen for Mendelian conditions patients without clinical condition specification (Akawi_2024). These report(s) do not provide unequivocal conclusions about association of the variant with COL9A1-Related Disorders. To our knowledge, no experimental evidence demonstrating an impact on protein function has been reported. The following publication have been ascertained in the context of this evaluation (PMID: 39411402). ClinVar contains an entry for this variant (Variation ID: 1013785). Based on the evidence outlined above, the variant was classified as uncertain significance.

Blueprint Genetics
Classification: Uncertain significance. Last evaluated: 2023-12-14. Review status: criteria provided, single submitter. Criteria: ACMG Guidelines, 2015. Collection method: clinical testing. Allele origin: germline.

CeGaT Center for Human Genetics Tuebingen
Classification: Uncertain significance. Last evaluated: 2022-12-01. Review status: criteria provided, single submitter. Criteria: CeGaT Center For Human Genetics Tuebingen Variant Classification Criteria Version 2. Collection method: clinical testing. Allele origin: germline. Affected: yes. Observed: 1 variant allele.
Comment: COL9A1: PVS1:Moderate

Labcorp Genetics (formerly Invitae), Labcorp
Classification: Uncertain significance. Last evaluated: 2022-08-02. Review status: criteria provided, single submitter. Criteria: Invitae Variant Classification Sherloc (09022015). Collection method: clinical testing. Allele origin: germline.
Comment: This variant, c.904_912dup, results in the insertion of 3 amino acid(s) of the COL9A1 protein (p.Pro304_Pro306dup), but otherwise preserves the integrity of the reading frame. This variant is present in population databases (rs747511400, gnomAD 0.006%). This variant has not been reported in the literature in individuals affected with COL9A1-related conditions. This variant is also known as c.905_912+1dup. Experimental studies and prediction algorithms are not available or were not evaluated, and the functional significance of this variant is currently unknown. Algorithms developed to predict the effect of sequence changes on RNA splicing suggest that this variant may disrupt the consensus splice site. In summary, the available evidence is currently insufficient to determine the role of this variant in disease. Therefore, it has been classified as a Variant of Uncertain Significance.

Literature cited by the submitters: PubMed 39411402 (cited by Women's Health and Genetics/Laboratory Corporation of America, LabCorp).